The following is an entry in ClinVar:

ClinVar aggregate classification (germline): Uncertain significance. Review status: criteria provided, multiple submitters, no conflicts (2 of 4 stars). 2 submissions from 2 submitters: Uncertain significance (2). Last evaluated 2024-07-10.

Conditions:
Early-onset Lafora body disease. Also called: Epilepsy, progressive myoclonic, 10. Identifiers: Orphanet 324290, MedGen C4225258, MONDO:0014717, OMIM 616640.

Allele frequency attached by ClinVar (database versions not stated): gnomAD 0.00002 and 0.00003; gnomAD exomes 0.00002 and 0.00006; TOPMed 0.00005; ExAC 0.00012.
gnomAD v4.1: 36 of 1,591,754 alleles (0.0023%); highest among the groups gnomAD compares: Admixed American, 0.007%; no homozygotes.

Submissions (2):

Ambry Genetics
Classification: Uncertain significance. Last evaluated: 2024-07-10. Review status: criteria provided, single submitter. Criteria: Ambry Variant Classification Scheme 2023. Collection method: clinical testing. Allele origin: germline.

Labcorp Genetics (formerly Invitae), Labcorp
Classification: Uncertain significance for Early-onset Lafora body disease. Last evaluated: 2024-02-24. Review status: criteria provided, single submitter. Criteria: Invitae Variant Classification Sherloc (09022015). Collection method: clinical testing. Allele origin: germline.
Comment: This sequence change replaces leucine, which is neutral and non-polar, with valine, which is neutral and non-polar, at codon 605 of the PRDM8 protein (p.Leu605Val). This variant is present in population databases (rs749676209, gnomAD 0.09%). This variant has not been reported in the literature in individuals affected with PRDM8-related conditions. ClinVar contains an entry for this variant (Variation ID: 640230). Advanced modeling of protein sequence and biophysical properties (such as structural, functional, and spatial information, amino acid conservation, physicochemical variation, residue mobility, and thermodynamic stability) performed at Invitae indicates that this missense variant is not expected to disrupt PRDM8 protein function with a negative predictive value of 80%. In summary, the available evidence is currently insufficient to determine the role of this variant in disease. Therefore, it has been classified as a Variant of Uncertain Significance.

NM_001099403.2(PRDM8):c.1813C>G (p.Leu605Val)

Gene: PRDM8 (PR/SET domain 8; plus strand). Cytogenetic location: 4q21.21.
Variant type: single nucleotide variant.
Coding change: c.1813C>G on transcript NM_001099403.2 (MANE Select); coding-DNA position 1813, C replaced by G.
Protein change: p.Leu605Val; replaces leucine 605 with valine.
Molecular consequence: missense variant.
Genome position (GRCh38, 1-based): chr4:80,203,275, C>G. VCF-style: chr4-80203275-C-G. GRCh37 (hg19) VCF-style: chr4-81124429-C-G.
Other names: c.1813C>G, p.Leu605Val (NM_020226.4); short protein forms L605V.
Identifiers: ClinVar variation 640230 (VCV000640230.11), dbSNP rs749676209, ClinGen allele CA2982466.
Genomic context (GRCh38, chr4:80,203,275, plus strand): 5'-AGCTCCGCTGCCGCTGCAGCCGCGGCTGCGGCGGCGGCCGCGGGGCCCTTGCAGCTGCAG[C>G]TGCCCTCGGCGCTCACGCTGCTGCCGCCCTCCTTCACCTCGCTGTGTCTGCCCGCGCAGA-3'
Protein context (NP_001092873.1, residues 595-615): AAAAGPLQLQ[Leu605Val]PSALTLLPPS